The following is an entry in ClinVar:

NM_000435.3(NOTCH3):c.2437G>A (p.Glu813Lys)

Gene: NOTCH3 (notch receptor 3; minus strand). Cytogenetic location: 19p13.12.
Variant type: single nucleotide variant.
Coding change: c.2437G>A on transcript NM_000435.3 (MANE Select); coding-DNA position 2437, G replaced by A.
Protein change: p.Glu813Lys; replaces glutamic acid 813 with lysine.
Molecular consequence: missense variant.
Genome position (GRCh38, 1-based): chr19:15,184,424, C>T on the plus strand (G>A on the coding strand, the complement: NOTCH3 is on the minus strand). VCF-style: chr19-15184424-C-T. GRCh37 (hg19) VCF-style: chr19-15295235-C-T.
Other names: short protein forms E813K.
Identifiers: ClinVar variation 447811 (VCV000447811.17), dbSNP rs375873637, ClinGen allele CA9263360.

ClinVar aggregate classification (germline): Conflicting classifications of pathogenicity. Review status: criteria provided, conflicting classifications (1 of 4 stars). 6 submissions from 6 submitters: Uncertain significance (3); Benign (1); Likely benign (2). Last evaluated 2025-09-23.

Allele frequency attached by ClinVar (database versions not stated): gnomAD exomes 0.00003 and 0.00004; ESP Exome Variant Server 0.00008; 1000 Genomes Project 30x 0.00016; gnomAD 0.00019 and 0.00020; TOPMed 0.00023; ExAC 0.00003; 1000 Genomes Project 0.00020.
gnomAD v4.1: 74 of 1,613,844 alleles (0.0046%); highest among the groups gnomAD compares: African/African-American, 0.055%; no homozygotes.

Submissions (6):

Women's Health and Genetics/Laboratory Corporation of America, LabCorp
Classification: Likely benign. Last evaluated: 2025-09-23. Review status: criteria provided, single submitter. Criteria: LabCorp Variant Classification Summary - May 2015. Collection method: clinical testing. Allele origin: germline.
Comment: Variant summary: NOTCH3 c.2437G>A (p.Glu813Lys) results in a conservative amino acid change in the encoded protein sequence. Algorithms developed to predict the effect of missense changes on protein structure and function are either unavailable or do not agree on the potential impact of this missense change. The variant allele was found at a frequency of 5.3e-05 in 282280 control chromosomes, predominantly at a frequency of 0.00056 within the African or African-American subpopulation in the gnomAD database. The observed variant frequency within African or African-American control individuals in the gnomAD database exceeds the estimated maximal expected allele frequency for disease-causing variants in NOTCH3. To our knowledge, no occurrence of c.2437G>A in individuals affected with NOTCH3-related conditions and no experimental evidence demonstrating its impact on protein function have been reported. ClinVar contains an entry for this variant (Variation ID: 447811). Based on the evidence outlined above, the variant was classified as likely benign.

Athena Diagnostics
Classification: Likely benign. Last evaluated: 2025-01-29. Review status: criteria provided, single submitter. Criteria: Athena Diagnostics Criteria. Collection method: clinical testing. Allele origin: unknown.
Comment: The frequency of this variant in the general population is higher than would generally be expected for pathogenic variants in this gene.

ARUP Laboratories, Molecular Genetics and Genomics, ARUP Laboratories
Classification: Uncertain significance. Last evaluated: 2022-04-28. Review status: criteria provided, single submitter. Criteria: ARUP Molecular Germline Variant Investigation Process 2021. Collection method: clinical testing. Allele origin: germline.
Comment: The NOTCH3 c.2437G>A; p.Glu813Lys variant (rs375873637), to our knowledge, is not reported in the medical literature in an affected individual, but is reported in ClinVar (Variation ID: 447811). This variant is found in the African/African-American population with an allele frequency of 0.06% (14/24,936 alleles) in the Genome Aggregation Database. The glutamic acid at codon 813 is highly conserved, occurs in an EGF-like domain, and computational analyses predict that this variant is deleterious (REVEL: 0.89). In support of this prediction, computational modeling indicates this vriant may alter the protein structure (Vlachakis 2014). Most pathogenic NOTCH3 variants occur in exons 2-24 and either create or destroy a cysteine residue within an EGF-like domain (Rutten 2014). However, there are several amino acid substitutions not involving cysteine that may be disease-associated (Muino 2017). Due to limited information, the clinical significance of the p.Glu813Lys variant is uncertain at this time. References: Muino E et al. Systematic Review of Cysteine-Sparing NOTCH3 Missense Mutations in Patients with Clinical Suspicion of CADASIL. Int J Mol Sci. 2017 Sep 13;18(9). pii: E1964. Rutten JW et al. Interpretation of NOTCH3 mutations in the diagnosis of CADASIL. Expert Rev Mol Diagn. 2014 Jun;14(5):593-603. Vlachakis D et al. A series of Notch3 mutations in CADASIL; insights from 3D molecular modelling and evolutionary analyses. J Mol Biochem. 2014;3(3):134. PMID: 31799216.

Labcorp Genetics (formerly Invitae), Labcorp
Classification: Benign. Last evaluated: 2022-02-10. Review status: criteria provided, single submitter. Criteria: Invitae Variant Classification Sherloc (09022015). Collection method: clinical testing. Allele origin: germline.

AiLife Diagnostics
Classification: Uncertain significance. Last evaluated: 2021-04-27. Review status: criteria provided, single submitter. Criteria: ACMG Guidelines, 2015. Collection method: clinical testing. Allele origin: germline. Affected: yes. Observed: 1 variant allele.

Revvity Omics, Revvity
Classification: Uncertain significance. Last evaluated: 2019-10-25. Review status: criteria provided, single submitter. Criteria: ACMG Guidelines, 2015. Collection method: clinical testing. Allele origin: germline.

Literature cited by the submitters: PubMed 31799216 (cited by Athena Diagnostics).